The following is an entry in ClinVar:

ClinVar aggregate classification (germline): Uncertain significance (1 of 4 stars; one submission).

Conditions:
Hereditary cancer-predisposing syndrome. Also called: Hereditary Cancer Syndrome; Hereditary neoplastic syndrome; Neoplastic Syndromes, Hereditary; Tumor predisposition. Identifiers: Orphanet 140162, MedGen C0027672, MeSH D009386, MONDO:0015356.

Submission:

Sema4
Classification: Uncertain significance for Hereditary cancer-predisposing syndrome. Last evaluated: 2021-10-30. Review status: criteria provided, single submitter. Criteria: Sema4 Curation Guidelines. Collection method: curation. Allele origin: germline.
Comment: The RAD51D c.576+3G>C variant has not been reported in the literature to our knowledge. This variant was not observed in the large and broad cohorts of the Genome Aggregation Database (PMID: 32461654). This variant has not been reported in ClinVar. In silico tools suggest that this variant may not impact splicing, though these predictions have not been confirmed by functional studies. Based on the current evidence available, this variant is interpreted as a variant of uncertain significance.

NM_002878.4(RAD51D):c.576+3G>C

Genes: RAD51D (RAD51 paralog D; minus strand), RAD51L3-RFFL (RAD51L3-RFFL readthrough; minus strand). Cytogenetic location: 17q12.
Variant type: single nucleotide variant.
Coding change: c.576+3G>C on transcript NM_002878.4 (MANE Select); 3 bases into the intron after coding-DNA position 576, G replaced by C.
Molecular consequence: intron variant.
Genome position (GRCh38, 1-based): chr17:35,106,383, C>G on the plus strand (G>C on the coding strand, the complement: RAD51D is on the minus strand). VCF-style: chr17-35106383-C-G. GRCh37 (hg19) VCF-style: chr17-33433402-C-G.
Other names: c.240+3G>C (NM_133629.3); c.636+3G>C (NM_001142571.2).
Identifiers: ClinVar variation 1692731 (VCV001692731.1), dbSNP rs2142428750, ClinGen allele CA2573153497.
Genomic context (GRCh38, chr17:35,106,383, plus strand): 5'-TGCCCACAGAGATAGCACCTAGAAAGCTGAATTAAGCAAGGAGGGGCAGAACAGCAGGCT[C>G]ACCTGCTGGGCCACAGTGCCTCGGAGCTCCTGCAGCACATCCAGCATCTGGAAGATGTCA-3'